The following is an entry in ClinVar:

NM_021098.3(CACNA1H):c.874T>A (p.Ser292Thr)

Gene: CACNA1H (calcium voltage-gated channel subunit alpha1 H; plus strand). Cytogenetic location: 16p13.3.
Variant type: single nucleotide variant.
Coding change: c.874T>A on transcript NM_021098.3 (MANE Select); coding-DNA position 874, T replaced by A.
Protein change: p.Ser292Thr; replaces serine 292 with threonine.
Molecular consequence: missense variant.
Genome position (GRCh38, 1-based): chr16:1,200,326, T>A. VCF-style: chr16-1200326-T-A. GRCh37 (hg19) VCF-style: chr16-1250326-T-A.
Other names: c.874T>A, p.Ser292Thr (NM_001005407.2); short protein forms S292T.
Identifiers: ClinVar variation 941703 (VCV000941703.9), dbSNP rs1967689942, ClinGen allele CA394156115.

ClinVar aggregate classification (germline): Uncertain significance (1 of 4 stars; one submission).

Conditions:
Idiopathic generalized epilepsy. Also called: Generalised epilepsy; EIG. Identifiers: MedGen C0270850, MONDO:0005579, OMIM 600669.
Hyperaldosteronism, familial, type IV (HALD4). Also called: FH IV; ALDOSTERONISM, PRIMARY, AND HYPERTENSION. Identifiers: MONDO:0014875, OMIM 617027, Orphanet 642671, MedGen C4310756.

Allele frequency attached by ClinVar (database versions not stated): gnomAD 0.00001; TOPMed 0.00002.
gnomAD v4.1: 2 of 1,604,298 alleles (0.00012%); highest among the groups gnomAD compares: Admixed American, 0.0034%; no homozygotes.

Submission:

Labcorp Genetics (formerly Invitae), Labcorp
Classification: Uncertain significance for Idiopathic generalized epilepsy; Hyperaldosteronism, familial, type IV. Last evaluated: 2021-03-07. Review status: criteria provided, single submitter. Criteria: Invitae Variant Classification Sherloc (09022015). Collection method: clinical testing. Allele origin: germline.
Comment: This sequence change replaces serine with threonine at codon 292 of the CACNA1H protein (p.Ser292Thr). The serine residue is highly conserved and there is a small physicochemical difference between serine and threonine. This variant is not present in population databases (ExAC no frequency). In summary, the available evidence is currently insufficient to determine the role of this variant in disease. Therefore, it has been classified as a Variant of Uncertain Significance. Algorithms developed to predict the effect of missense changes on protein structure and function are either unavailable or do not agree on the potential impact of this missense change (SIFT: "Deleterious"; PolyPhen-2: "Probably Damaging"; Align-GVGD: "Class C0"). This variant has not been reported in the literature in individuals with CACNA1H-related conditions.